The following is an entry in ClinVar:

ClinVar aggregate classification (germline): Uncertain significance. Review status: criteria provided, multiple submitters, no conflicts (2 of 4 stars). 6 submissions from 6 submitters: Uncertain significance (5). 1 of the submissions does not count toward it. Last evaluated 2025-11-21.

Conditions:
Hereditary breast ovarian cancer syndrome. Also called: Breast and ovarian cancer; Hereditary breast and ovarian cancer; Hereditary breast and ovarian cancer syndrome; BRCA1- and BRCA2-Associated Hereditary Breast and Ovarian Cancer; Hereditary breast and ovarian cancer syndrome (HBOC); Hereditary breast and/or ovarian cancer syndrome. Identifiers: Orphanet 145, MedGen C0677776, MeSH D061325, MONDO:0003582. Disease mechanism: loss of function.
Hereditary cancer-predisposing syndrome. Also called: Tumor predisposition; Hereditary Cancer Syndrome; Neoplastic Syndromes, Hereditary; Hereditary neoplastic syndrome. Identifiers: Orphanet 140162, MedGen C0027672, MeSH D009386, MONDO:0015356.
Familial cancer of breast. Also called: BREAST CANCER, FAMILIAL; hereditary breast carcinoma; Hereditary breast cancer. Identifiers: Orphanet 227535, MedGen C0346153, MONDO:0016419, OMIM 114480. Disease mechanism: loss of function.
Breast-ovarian cancer, familial, susceptibility to, 2 (BROVCA2). Also called: BRCA2 Hereditary Breast and Ovarian Cancer. Identifiers: Orphanet 145, MedGen C2675520, MONDO:0012933, OMIM 612555. Disease mechanism: loss of function.

Allele frequency attached by ClinVar (database versions not stated): gnomAD exomes 0.00001.
gnomAD v4.1: 14 of 1,571,176 alleles (0.00089%); highest among the groups gnomAD compares: East Asian, 0.0022%; no homozygotes.

Submissions (6):

Women's Health and Genetics/Laboratory Corporation of America, LabCorp
Classification: Uncertain significance. Last evaluated: 2025-11-21. Review status: criteria provided, single submitter. Criteria: LabCorp Variant Classification Summary - May 2015. Collection method: clinical testing. Allele origin: germline.
Comment: Variant summary: BRCA2 c.6922A>G (p.Lys2308Glu) results in a conservative amino acid change in the encoded protein sequence. Algorithms developed to predict the effect of missense changes on protein structure and function are either unavailable or do not agree on the potential impact of this missense change. The variant was absent in 250072 control chromosomes (gnomAD). The available data on variant occurrences in the general population are insufficient to allow any conclusion about variant significance. c.6922A>G has been reported in the literature in an individual affected with ovarian cancer (example, Delahunty_2022). The report does not provide unequivocal conclusions about association of the variant with Hereditary Breast And Ovarian Cancer Syndrome. To our knowledge, no experimental evidence demonstrating an impact on protein function has been reported. The following publication have been ascertained in the context of this evaluation (PMID: 35263119). ClinVar contains an entry for this variant (Variation ID: 91463). Based on the evidence outlined above, the variant was classified as uncertain significance.

Labcorp Genetics (formerly Invitae), Labcorp
Classification: Uncertain significance for Hereditary breast ovarian cancer syndrome. Last evaluated: 2025-04-29. Review status: criteria provided, single submitter. Criteria: Invitae Variant Classification Sherloc (09022015). Collection method: clinical testing. Allele origin: germline.
Comment: This sequence change replaces lysine, which is basic and polar, with glutamic acid, which is acidic and polar, at codon 2308 of the BRCA2 protein (p.Lys2308Glu). This variant is not present in population databases (gnomAD no frequency). This missense change has been observed in individual(s) with ovarian cancer (PMID: 35263119). ClinVar contains an entry for this variant (Variation ID: 91463). Invitae Evidence Modeling of protein sequence and biophysical properties (such as structural, functional, and spatial information, amino acid conservation, physicochemical variation, residue mobility, and thermodynamic stability) indicates that this missense variant is not expected to disrupt BRCA2 protein function with a negative predictive value of 95%. In summary, the available evidence is currently insufficient to determine the role of this variant in disease. Therefore, it has been classified as a Variant of Uncertain Significance.

Ambry Genetics
Classification: Uncertain significance for Hereditary cancer-predisposing syndrome. Last evaluated: 2024-09-22. Review status: criteria provided, single submitter. Criteria: Ambry Variant Classification Scheme 2023. Collection method: clinical testing. Allele origin: germline.
Comment: The p.K2308E variant (also known as c.6922A>G), located in coding exon 11 of the BRCA2 gene, results from an A to G substitution at nucleotide position 6922. The lysine at codon 2308 is replaced by glutamic acid, an amino acid with similar properties. This variant was reported in an individual with features consistent with BRCA2-related cancer predisposition (Delahunty R et al. J Clin Oncol, 2022 Jun;40:2036-2047). This amino acid position is well conserved in available vertebrate species. In addition, the in silico prediction for this alteration is inconclusive. Based on the available evidence, the clinical significance of this variant remains unclear.

Baylor Genetics
Classification: Uncertain significance for Familial cancer of breast. Last evaluated: 2024-02-07. Review status: criteria provided, single submitter. Criteria: ACMG Guidelines, 2015. Collection method: clinical testing. Allele origin: unknown.

GeneDx
Classification: Uncertain significance. Last evaluated: 2017-02-16. Review status: criteria provided, single submitter. Criteria: GeneDx Variant Classification (06012015). Collection method: clinical testing. Allele origin: germline. Affected: yes.
Comment: This variant is denoted BRCA2 c.6922A>G at the cDNA level, p.Lys2308Glu (K2308E) at the protein level, and results in the change of a Lysine to a Glutamic Acid (AAA>GAA). Using alternate nomenclature, this variant would be defined as BRCA2 7150A>G. This variant has not, to our knowledge, been published in the literature as pathogenic or benign. BRCA2 Lys2308Glu was not observed in approximately 6,500 individuals of European and African American ancestry in the NHLBI Exome Sequencing Project, suggesting it is not a common benign variant in these populations. Since Lysine and Glutamic Acid differ in polarity, charge, size or other properties, this is considered a non-conservative amino acid substitution. BRCA2 Lys2308Glu occurs at a position where amino acids with properties similar to Lysine are tolerated across species and is not located in a known functional domain. In silico analyses are inconsistent regarding the effect this variant may have on protein structure and function. Based on currently available evidence, it is unclear whether BRCA2 Lys2308Glu is a pathogenic or benign variant. We consider it to be a variant of uncertain significance.

Sharing Clinical Reports Project (SCRP)
Classification: Likely benign for Breast-ovarian cancer, familial 2. Last evaluated: 2011-08-26. Review status: no assertion criteria provided. Collection method: clinical testing. Allele origin: germline. Not counted in ClinVar's aggregate classification.

Literature cited by the submitters: PubMed 35263119 (cited by 3 submitters).

NM_000059.4(BRCA2):c.6922A>G (p.Lys2308Glu)

Gene: BRCA2 (BRCA2 DNA repair associated; plus strand). Cytogenetic location: 13q13.1.
Variant type: single nucleotide variant.
Coding change: c.6922A>G on transcript NM_000059.4 (MANE Select); coding-DNA position 6922, A replaced by G.
Protein change: p.Lys2308Glu; replaces lysine 2308 with glutamic acid.
Molecular consequence: missense variant.
Genome position (GRCh38, 1-based): chr13:32,344,638, A>G. VCF-style: chr13-32344638-A-G. GRCh37 (hg19) VCF-style: chr13-32918775-A-G.
Other names: 7150A>G; short protein forms K2308E.
Identifiers: ClinVar variation 91463 (VCV000091463.20), dbSNP rs398122570, ClinGen allele CA024559.
Genomic context (GRCh38, chr13:32,344,638, plus strand): 5'-AACTTATTAAATGAATTTGACAGGATAATAGAAAATCAAGAAAAATCCTTAAAGGCTTCA[A>G]AAAGCACTCCAGATGGTAAAATTAGCTTTTTATTTATATCTGTTCTCCCTCTATAGGTAT-3'
Protein context (NP_000050.3, residues 2298-2318): ENQEKSLKAS[Lys2308Glu]STPDGTIKDR